The following is an entry in ClinVar:

ClinVar aggregate classification (germline): Likely pathogenic (1 of 4 stars; one submission).

Submission:

Labcorp Genetics (formerly Invitae), Labcorp
Classification: Likely pathogenic. Last evaluated: 2022-07-06. Review status: criteria provided, single submitter. Criteria: Invitae Variant Classification Sherloc (09022015). Collection method: clinical testing. Allele origin: germline.
Comment: This variant is not present in population databases (gnomAD no frequency). This sequence change affects an acceptor splice site in intron 29 of the LTBP2 gene. It is expected to disrupt RNA splicing. Variants that disrupt the donor or acceptor splice site typically lead to a loss of protein function (PMID: 16199547), and loss-of-function variants in LTBP2 are known to be pathogenic (PMID: 19361779, 22025892). In summary, the currently available evidence indicates that the variant is pathogenic, but additional data are needed to prove that conclusively. Therefore, this variant has been classified as Likely Pathogenic. Algorithms developed to predict the effect of sequence changes on RNA splicing suggest that this variant may disrupt the consensus splice site. ClinVar contains an entry for this variant (Variation ID: 1516371). This variant has not been reported in the literature in individuals affected with LTBP2-related conditions.

Literature cited by the submitters: PubMed 16199547; PubMed 19361779; PubMed 22025892.

NM_000428.3(LTBP2):c.4370-2A>C

Gene: LTBP2 (latent transforming growth factor beta binding protein 2; minus strand). Cytogenetic location: 14q24.3.
Variant type: single nucleotide variant.
Coding change: c.4370-2A>C on transcript NM_000428.3 (MANE Select); the canonical splice acceptor site of the intron before coding-DNA position 4370, A replaced by C.
Molecular consequence: splice acceptor variant.
Genome position (GRCh38, 1-based): chr14:74,504,863, T>G on the plus strand (A>C on the coding strand, the complement: LTBP2 is on the minus strand). VCF-style: chr14-74504863-T-G. GRCh37 (hg19) VCF-style: chr14-74971566-T-G.
Identifiers: ClinVar variation 1516371 (VCV001516371.8), dbSNP rs2139689656, ClinGen allele CA390385777.